The following is an entry in ClinVar:

NM_001868.4(CPA1):c.292G>T (p.Asp98Tyr)

Gene: CPA1 (carboxypeptidase A1; plus strand). Cytogenetic location: 7q32.2.
Variant type: single nucleotide variant.
Coding change: c.292G>T on transcript NM_001868.4 (MANE Select); coding-DNA position 292, G replaced by T.
Protein change: p.Asp98Tyr; replaces aspartic acid 98 with tyrosine.
Molecular consequence: missense variant.
Genome position (GRCh38, 1-based): chr7:130,381,774, G>T. VCF-style: chr7-130381774-G-T. GRCh37 (hg19) VCF-style: chr7-130021615-G-T.
Other names: short protein forms D98Y.
Identifiers: ClinVar variation 4559770 (VCV004559770.1).

ClinVar aggregate classification (germline): Uncertain significance (1 of 4 stars; one submission).

Conditions:
Hereditary pancreatitis (PCTT). Also called: Hereditary chronic pancreatitis; PRSS1-Related Hereditary Pancreatitis. Identifiers: Orphanet 676, MedGen C0238339, MONDO:0008185, OMIM 167800.

Submission:

Ambry Genetics
Classification: Uncertain significance for Hereditary pancreatitis. Last evaluated: 2025-12-07. Review status: criteria provided, single submitter. Criteria: Ambry Variant Classification Scheme 2023. Collection method: clinical testing. Allele origin: germline.
Comment: The p.D98Y variant (also known as c.292G>T), located in coding exon 3 of the CPA1 gene, results from a G to T substitution at nucleotide position 292. The aspartic acid at codon 98 is replaced by tyrosine, an amino acid with highly dissimilar properties. This amino acid position is conserved. In addition, this alteration is predicted to be tolerated by in silico analysis. Based on the available evidence, the clinical significance of this variant remains unclear.